The following is an entry in ClinVar:

ClinVar aggregate classification (germline): Uncertain significance. Review status: criteria provided, multiple submitters, no conflicts (2 of 4 stars). 3 submissions from 3 submitters: Uncertain significance (3). Last evaluated 2025-04-03.

Conditions:
Inborn genetic diseases. Identifiers: MedGen C0950123, MeSH D030342.

Allele frequency attached by ClinVar (database versions not stated): gnomAD exomes below 0.00001.
gnomAD v4.1: 1 of 1,589,950 alleles (0.000063%); highest among the groups gnomAD compares: Admixed American, 0.0019%; no homozygotes.

Submissions (3):

Ambry Genetics
Classification: Uncertain significance for Inborn genetic diseases. Last evaluated: 2025-04-03. Review status: criteria provided, single submitter. Criteria: Ambry Variant Classification Scheme 2023. Collection method: clinical testing. Allele origin: germline.
Comment: The p.Q936R variant (also known as c.2807A>G), located in coding exon 24 of the ANKRD26 gene, results from an A to G substitution at nucleotide position 2807. The glutamine at codon 936 is replaced by arginine, an amino acid with highly similar properties. This amino acid position is conserved. In addition, this alteration is predicted to be tolerated by in silico analysis. Based on the available evidence, the clinical significance of this variant remains unclear.

Labcorp Genetics (formerly Invitae), Labcorp
Classification: Uncertain significance. Last evaluated: 2023-04-12. Review status: criteria provided, single submitter. Criteria: Invitae Variant Classification Sherloc (09022015). Collection method: clinical testing. Allele origin: germline.
Comment: In summary, the available evidence is currently insufficient to determine the role of this variant in disease. Therefore, it has been classified as a Variant of Uncertain Significance. An algorithm developed to predict the effect of missense changes on protein structure and function (PolyPhen-2) suggests that this variant is likely to be disruptive. ClinVar contains an entry for this variant (Variation ID: 1336593). This variant has not been reported in the literature in individuals affected with ANKRD26-related conditions. This variant is not present in population databases (gnomAD no frequency). This sequence change replaces glutamine, which is neutral and polar, with arginine, which is basic and polar, at codon 936 of the ANKRD26 protein (p.Gln936Arg).

Genetic Services Laboratory, University of Chicago
Classification: Uncertain significance. Last evaluated: 2018-03-09. Review status: criteria provided, single submitter. Criteria: ACMG Guidelines, 2015. Collection method: clinical testing. Allele origin: germline. Affected: no.

NM_014915.3(ANKRD26):c.2807A>G (p.Gln936Arg)

Gene: ANKRD26 (ankyrin repeat domain 26; minus strand). Cytogenetic location: 10p12.1.
Variant type: single nucleotide variant.
Coding change: c.2807A>G on transcript NM_014915.3 (MANE Select); coding-DNA position 2807, A replaced by G.
Protein change: p.Gln936Arg; replaces glutamine 936 with arginine.
Molecular consequence: missense variant.
Genome position (GRCh38, 1-based): chr10:27,035,643, T>C on the plus strand (A>G on the coding strand, the complement: ANKRD26 is on the minus strand). VCF-style: chr10-27035643-T-C. GRCh37 (hg19) VCF-style: chr10-27324572-T-C.
Other names: c.2804A>G, p.Gln935Arg (NM_001256053.2); short protein forms Q935R, Q936R.
Identifiers: ClinVar variation 1336593 (VCV001336593.8), dbSNP rs2135193343, ClinGen allele CA376365320.